The following is an entry in ClinVar:

NM_006514.4(SCN10A):c.3949G>T (p.Glu1317Ter)

Gene: SCN10A (sodium voltage-gated channel alpha subunit 10; minus strand). Cytogenetic location: 3p22.2.
Variant type: single nucleotide variant.
Coding change: c.3949G>T on transcript NM_006514.4 (MANE Select); coding-DNA position 3949, G replaced by T.
Protein change: p.Glu1317Ter; replaces glutamic acid 1317 with a stop codon.
Molecular consequence: nonsense.
Genome position (GRCh38, 1-based): chr3:38,712,301, C>A on the plus strand (G>T on the coding strand, the complement: SCN10A is on the minus strand). VCF-style: chr3-38712301-C-A. GRCh37 (hg19) VCF-style: chr3-38753792-C-A.
Other names: c.3946G>T, p.Glu1316Ter (NM_001293306.2); c.3655G>T, p.Glu1219Ter (NM_001293307.2); short protein forms E1219*, E1316*, E1317*.
Identifiers: ClinVar variation 1697118 (VCV001697118.2), dbSNP rs2125989879, ClinGen allele CA352151102.

ClinVar aggregate classification (germline): Uncertain significance (1 of 4 stars; one submission).

Submission:

GeneDx
Classification: Uncertain significance. Last evaluated: 2022-01-11. Review status: criteria provided, single submitter. Criteria: GeneDx Variant Classification Process June 2021. Collection method: clinical testing. Allele origin: germline. Affected: yes.
Comment: Not observed at significant frequency in large population cohorts (gnomAD); Nonsense variant predicted to result in protein truncation or nonsense mediated decay in a gene for which loss-of-function is not a known mechanism of disease; Has not been previously published as pathogenic or benign to our knowledge